The following is an entry in ClinVar:

GRCh37/hg19 Xp22.31(chrX:6497085-7910475)

Genes: PNPLA4 (patatin like domain 4, phospholipase and triacylglycerol lipase; minus strand), PUDP (pseudouridine 5'-phosphatase; minus strand), STS (steroid sulfatase; plus strand), VCX (variable charge X-linked; plus strand). Cytogenetic location: Xp22.31.
Variant type: copy number loss.
Identifiers: ClinVar variation 374374 (VCV000374374.2).

ClinVar aggregate classification (germline): Pathogenic (0 of 4 stars; one submission).

Conditions:
Ichthyosis. Also called: Ichthyosis (disease). Identifiers: Orphanet 79354, MedGen C0020757, MONDO:0019269, HP:0008064.

Submission:

Baylor Genetics
Classification: Pathogenic for ichthyosis. Review status: no assertion criteria provided. Collection method: clinical testing. Allele origin: unknown. Inheritance: X-linked inheritance. Affected: yes.
Comment: The KIAA2022 variant is categorized as deleterious according to ACMGG guidelines [PMID: 18414213]